The following is an entry in ClinVar:

NM_001042545.2(LTBP4):c.2399G>A (p.Arg800Gln)

Gene: LTBP4 (latent transforming growth factor beta binding protein 4; plus strand). Cytogenetic location: 19q13.2.
Variant type: single nucleotide variant.
Coding change: c.2399G>A on transcript NM_001042545.2 (MANE Select); coding-DNA position 2399, G replaced by A.
Protein change: p.Arg800Gln; replaces arginine 800 with glutamine.
Molecular consequence: missense variant.
Genome position (GRCh38, 1-based): chr19:40,613,164, G>A. VCF-style: chr19-40613164-G-A. GRCh37 (hg19) VCF-style: chr19-41119070-G-A.
Other names: c.2600G>A, p.Arg867Gln (NM_001042544.1); c.2489G>A, p.Arg830Gln (NM_003573.2); short protein forms R800Q, R830Q, R867Q.
Identifiers: ClinVar variation 1802238 (VCV001802238.3), dbSNP rs1401651682, ClinGen allele CA405938944.

ClinVar aggregate classification (germline): Uncertain significance (1 of 4 stars; one submission).

Conditions:
Cutis laxa with severe pulmonary, gastrointestinal and urinary anomalies. Also called: Cutis laxa, autosomal recessive, type IC; URBAN-RIFKIN-DAVIS SYNDROME; LTBP4-Related Cutis Laxa. Identifiers: Orphanet 221145, MedGen C2750804, MONDO:0013170, OMIM 613177. Disease mechanism: loss of function.

gnomAD v4.1: 2 of 1,579,764 alleles (0.00013%); highest among the groups gnomAD compares: Admixed American, 0.0018%; no homozygotes.

Submission:

Diagnostics Services (NGS), CSIR - Centre For Cellular And Molecular Biology
Classification: Uncertain significance for Cutis laxa with severe pulmonary, gastrointestinal and urinary anomalies. Last evaluated: 2022-08-18. Review status: criteria provided, single submitter. Criteria: ACMG Guidelines, 2015. Collection method: clinical testing. Allele origin: unknown. Observed: 3 variant alleles, 2 heterozygotes, 1 homozygote.
Comment: The c.2489G>A variant is not present in publicly available population databases like 1000 Genomes, Exome Variant Server (EVS) and Indian Exome Database. The heterozygous state of the variant is present in Genome Aggregation Database (gnomAD), at a low frequency. The variant is not present in our in-house exome database. This variant has not been reported in literature or any clinical databases like ClinVar, Human Genome Mutation Database (HGMD) and OMIM, in any affected individuals. In-silico pathogenicity prediction programs like Polyphen-2, MutationTaster2, CADD etc. predicted this variant to be likely deleterious, however these predictions were not confirmed by any published functional studies.